The following is an entry in ClinVar:

NM_001829.4(CLCN3):c.2208G>A (p.Gln736=)

Gene: CLCN3 (Cl-/H+ antiporter 3; plus strand). Cytogenetic location: 4q33.
Variant type: single nucleotide variant.
Coding change: c.2208G>A on transcript NM_001829.4 (MANE Select); coding-DNA position 2208, G replaced by A.
Protein change: p.Gln736=; no amino-acid change (glutamine 736 retained).
Molecular consequence: synonymous variant.
Genome position (GRCh38, 1-based): chr4:169,713,137, G>A. VCF-style: chr4-169713137-G-A. GRCh37 (hg19) VCF-style: chr4-170634288-G-A.
Other names: c.2127G>A, p.Gln709= (NM_001243372.2, NM_001243374.2); c.2208G>A, p.Gln736= (NM_173872.4).
Identifiers: ClinVar variation 4873058 (VCV004873058.2).
Genomic context (GRCh38, chr4:169,713,137, plus strand): 5'-AGAAAGTGCCAGGAAAAAACAAGAAGGTATCGTTGGCAGTTCTCGGGTGTGTTTTGCACA[G>A]CACACCCCATCTCTTCCAGCAGAAAGTCCTCGGCCATTGAAGCTTCGAAGCATTCTTGAC-3'
Protein context (NP_001820.2, residues 726-746): IVGSSRVCFA[Gln736=]HTPSLPAESP

ClinVar aggregate classification (germline): Likely benign (1 of 4 stars; one submission).

Submission:

CeGaT Center for Human Genetics Tuebingen
Classification: Likely benign. Last evaluated: 2026-07-01. Review status: criteria provided, single submitter. Criteria: CeGaT Center For Human Genetics Tuebingen Variant Classification Criteria Version 2. Collection method: clinical testing. Allele origin: germline. Affected: yes. Observed: 1 variant allele.
Comment: CLCN3: PM2:Supporting, BP4, BP7